The following is an entry in ClinVar:

NM_002474.3(MYH11):c.154GAG[1] (p.Glu53del)

Gene: MYH11 (myosin heavy chain 11; minus strand). Cytogenetic location: 16p13.11.
Variant type: Microsatellite.
Coding change: c.154GAG[1] on transcript NM_002474.3 (MANE Select); one copy of the 3-base unit GAG starting at c.154; the reference has two copies in a row; one copy, 3 bases deleted.
Protein change: p.Glu53del; deletes glutamic acid 53.
Genome position (GRCh38, 1-based): chr16:15,838,094-15,838,096, CTC deleted on the plus strand (GAG on the coding strand, the reverse complement: MYH11 is on the minus strand); deleting any 3 consecutive bases within chr16:15,838,094-15,838,101 gives the same sequence; the position shown is the placement nearest the transcript's 3' end. VCF-style (leftmost placement, unchanged base first): chr16-15838093-TCTC-T. GRCh37 (hg19) VCF-style: chr16-15931950-TCTC-T.
Other names: c.154GAG[1], p.Glu53del (NM_001040113.2, NM_001040114.2, NM_022844.3); c.157_159del (NM_001040113.2); short protein forms E53del.
Identifiers: ClinVar variation 4756429 (VCV004756429.1).

ClinVar aggregate classification (germline): Uncertain significance (1 of 4 stars; one submission).

Conditions:
Familial thoracic aortic aneurysm and aortic dissection (TAAD). Also called: Thoracic aortic aneurysms and dissections. Identifiers: Orphanet 91387, MedGen C4707243, MONDO:0019625.

Submission:

Color Diagnostics, LLC DBA Color Health
Classification: Uncertain significance for Familial thoracic aortic aneurysm and aortic dissection. Last evaluated: 2025-09-13. Review status: criteria provided, single submitter. Criteria: ACMG Guidelines, 2015. Collection method: clinical testing. Allele origin: germline.
Comment: This variant results in the in-frame deletion of one amino acid at codon 53 in the MYH11 protein. To our knowledge, functional studies have not been reported for this variant. This variant has not been reported in individuals affected with MYH11-related disorders in the literature. This variant has not been identified in the general population by the Genome Aggregation Database (gnomAD). The available evidence is insufficient to determine the role of this variant in disease conclusively. Therefore, this variant is classified as a Variant of Uncertain Significance.